The following is an entry in ClinVar:

ClinVar aggregate classification (germline): Uncertain significance (1 of 4 stars; one submission).

Conditions:
Hereditary cancer-predisposing syndrome. Also called: Tumor predisposition; Hereditary neoplastic syndrome; Hereditary Cancer Syndrome; Neoplastic Syndromes, Hereditary. Identifiers: Orphanet 140162, MedGen C0027672, MeSH D009386, MONDO:0015356.

Submission:

Ambry Genetics
Classification: Uncertain significance for Hereditary cancer-predisposing syndrome. Last evaluated: 2026-06-03. Review status: criteria provided, single submitter. Criteria: Ambry Variant Classification Scheme 2023. Collection method: clinical testing. Allele origin: germline.
Comment: The p.V46A variant (also known as c.137T>C), located in coding exon 1 of the CDKN2A (p14ARF) gene, results from a T to C substitution at nucleotide position 137. The valine at codon 46 is replaced by alanine, an amino acid with similar properties. This amino acid position is well conserved in available vertebrate species. Based on the available evidence, the clinical significance of this variant remains unclear.

NM_058195.4(CDKN2A):c.137T>C (p.Val46Ala)

Gene: CDKN2A (cyclin dependent kinase inhibitor 2A; minus strand). Cytogenetic location: 9p21.3.
Variant type: single nucleotide variant.
Coding change: c.137T>C on transcript NM_058195.4 (MANE Plus Clinical); coding-DNA position 137, T replaced by C.
Protein change: p.Val46Ala; replaces valine 46 with alanine.
Molecular consequence: missense variant. On other transcripts: intron variant (1).
Genome position (GRCh38, 1-based): chr9:21,994,195, A>G on the plus strand (T>C on the coding strand, the complement: CDKN2A is on the minus strand). VCF-style: chr9-21994195-A-G. GRCh37 (hg19) VCF-style: chr9-21994194-A-G.
Other names: c.-4+626T>C (NM_001363763.2); short protein forms V46A.
Identifiers: ClinVar variation 4868653 (VCV004868653.1).
Genomic context (GRCh38, chr9:21,994,195, plus strand): 5'-CTACCTGGTCTTCTAGGAAGCGGCTGCTGCCCTAGACGCTGGCTCCTCAGTAGCATCAGC[A>G]CGAGGGCCACAGCGGCGGGCGCCCCTGGCGCTGCCCACTCCCCCGTGAGCCGCGGGATGT-3'
Protein context (NP_478102.2, residues 36-56): APGAPAAVAL[Val46Ala]LMLLRSQRLG